The following is an entry in ClinVar:

NM_014319.5(LEMD3):c.750C>G (p.Val250=)

Gene: LEMD3 (LEM domain containing 3; plus strand). Cytogenetic location: 12q14.3.
Variant type: single nucleotide variant.
Coding change: c.750C>G on transcript NM_014319.5 (MANE Select); coding-DNA position 750, C replaced by G.
Protein change: p.Val250=; no amino-acid change (valine 250 retained).
Molecular consequence: synonymous variant.
Genome position (GRCh38, 1-based): chr12:65,170,346, C>G. VCF-style: chr12-65170346-C-G. GRCh37 (hg19) VCF-style: chr12-65564126-C-G.
Other names: c.750C>G, p.Val250= (NM_001167614.2); c.750C>G (NM_014319.4).
Identifiers: ClinVar variation 1641184 (VCV001641184.10), dbSNP rs148964879, ClinGen allele CA6670753.
Genomic context (GRCh38, chr12:65,170,346, plus strand): 5'-GGACCCGGAGACCGAGGAGCCGCTCTGGGCGAGCCGGACCGTGAATGGCAGCCGGCTTGT[C>G]CCCTACAGCTGCCGGGAAAACTATTCGGACTCAGAGGAAGAGGACGACGACGACGTGGCC-3'
Protein context (NP_055134.2, residues 240-260): ASRTVNGSRL[Val250=]PYSCRENYSD

ClinVar aggregate classification (germline): Benign. Review status: criteria provided, single submitter (1 of 4 stars). 2 submissions from 2 submitters: Benign (1). 1 of the submissions does not count toward it. Last evaluated 2025-06-23.

Conditions:
LEMD3-related disorder. Also called: LEMD3-related condition.

Allele frequency attached by ClinVar (database versions not stated): gnomAD 0.00032 and 0.00035; ESP Exome Variant Server 0.00038.
gnomAD v4.1: 107 of 1,608,176 alleles (0.0067%); highest among the groups gnomAD compares: African/African-American, 0.11%; no homozygotes.

Submissions (2):

Labcorp Genetics (formerly Invitae), Labcorp
Classification: Benign. Last evaluated: 2025-06-23. Review status: criteria provided, single submitter. Criteria: Invitae Variant Classification Sherloc (09022015). Collection method: clinical testing. Allele origin: germline.

PreventionGenetics, part of Exact Sciences
Classification: Likely benign for LEMD3-related condition. Last evaluated: 2019-03-26. Review status: no assertion criteria provided. Collection method: clinical testing. Allele origin: germline. Not counted in ClinVar's aggregate classification.
Comment: This variant is classified as likely benign based on ACMG/AMP sequence variant interpretation guidelines (Richards et al. 2015 PMID: 25741868, with internal and published modifications).